The following is an entry in ClinVar:

ClinVar aggregate classification (germline): Likely benign. Review status: criteria provided, multiple submitters, no conflicts (2 of 4 stars). 4 submissions from 4 submitters: Likely benign (3). 1 of the submissions does not count toward it. Last evaluated 2026-02-24.

Conditions:
OAT-related disorder. Also called: OAT-related condition.
Ornithine aminotransferase deficiency (GACR). Also called: OKT DEFICIENCY; HYPERORNITHINEMIA WITH GYRATE ATROPHY OF CHOROID AND RETINA; OAT DEFICIENCY; Ornithine ketoacid aminotransferase deficiency; Gyrate atrophy; Gyrate atrophy of choroid and retina. Identifiers: Orphanet 414, MedGen C0018425, MONDO:0009796, OMIM 258870.

Allele frequency attached by ClinVar (database versions not stated): ExAC 0.00005; gnomAD exomes 0.00005; gnomAD 0.00009; TOPMed 0.00011.
gnomAD v4.1: 69 of 1,604,952 alleles (0.0043%); highest among the groups gnomAD compares: Admixed American, 0.035%; no homozygotes.

Submissions (4):

PreventionGenetics, part of Exact Sciences
Classification: Likely benign for OAT-related condition. Last evaluated: 2026-02-24. Review status: criteria provided, single submitter. Criteria: ACMG Guidelines, 2015. Collection method: clinical testing. Allele origin: germline.
Comment: This variant is classified as likely benign based on ACMG/AMP sequence variant interpretation guidelines (Richards et al. 2015 PMID: 25741868, with internal and published modifications).

Labcorp Genetics (formerly Invitae), Labcorp
Classification: Likely benign for Ornithine aminotransferase deficiency. Last evaluated: 2025-12-17. Review status: criteria provided, single submitter. Criteria: Invitae Variant Classification Sherloc (09022015). Collection method: clinical testing. Allele origin: germline.

Blueprint Genetics
Classification: Likely benign. Last evaluated: 2022-07-15. Review status: criteria provided, single submitter. Criteria: ACMG Guidelines, 2015. Collection method: clinical testing. Allele origin: germline.

Natera, Inc.
Classification: Uncertain significance for Gyrate atrophy. Last evaluated: 2020-04-10. Review status: no assertion criteria provided. Collection method: clinical testing. Allele origin: germline. Not counted in ClinVar's aggregate classification.

NM_000274.4(OAT):c.1015-5C>T

Gene: OAT (ornithine aminotransferase; minus strand). Cytogenetic location: 10q26.13.
Variant type: single nucleotide variant.
Coding change: c.1015-5C>T on transcript NM_000274.4 (MANE Select); 5 bases into the intron before coding-DNA position 1015, C replaced by T.
Molecular consequence: intron variant.
Genome position (GRCh38, 1-based): chr10:124,400,989, G>A on the plus strand (C>T on the coding strand, the complement: OAT is on the minus strand). VCF-style: chr10-124400989-G-A. GRCh37 (hg19) VCF-style: chr10-126089558-G-A.
Other names: c.1015-5C>T (NM_001322965.2, NM_001322969.2, NM_001322966.2 and 3 more transcripts); c.601-5C>T (NM_001171814.2); c.415-5C>T (NM_001322974.2); c.694-5C>T (NM_001322971.2).
Identifiers: ClinVar variation 739532 (VCV000739532.14), dbSNP rs764963374, ClinGen allele CA5733342.